The following is an entry in ClinVar:

ClinVar aggregate classification (germline): Uncertain significance. Review status: criteria provided, multiple submitters, no conflicts (2 of 4 stars). 3 submissions from 3 submitters: Uncertain significance (3). Last evaluated 2026-02-01.

Conditions:
Sulfite oxidase deficiency due to molybdenum cofactor deficiency type A. Also called: Molybdenum Cofactor Deficiency A; Molybdenum cofactor deficiency, complementation group A. Identifiers: Orphanet 308386, Orphanet 833, MedGen C1854988, MONDO:0009643, OMIM 252150.
Inborn genetic diseases. Identifiers: MedGen C0950123, MeSH D030342.

Allele frequency attached by ClinVar (database versions not stated): gnomAD 0.00002; gnomAD exomes 0.00002 and 0.00003; TOPMed 0.00002; ExAC 0.00003; ESP Exome Variant Server 0.00008.
gnomAD v4.1: 28 of 1,612,682 alleles (0.0017%); highest among the groups gnomAD compares: Middle Eastern, 0.033%; no homozygotes.

Submissions (3):

Labcorp Genetics (formerly Invitae), Labcorp
Classification: Uncertain significance for Sulfite oxidase deficiency due to molybdenum cofactor deficiency type A. Last evaluated: 2026-02-01. Review status: criteria provided, single submitter. Criteria: Invitae Variant Classification Sherloc (09022015). Collection method: clinical testing. Allele origin: germline.
Comment: This sequence change replaces lysine, which is basic and polar, with asparagine, which is neutral and polar, at codon 98 of the MOCS1 protein (p.Lys98Asn). This variant is present in population databases (rs373489919, gnomAD 0.006%). This variant has not been reported in the literature in individuals affected with MOCS1-related conditions. ClinVar contains an entry for this variant (Variation ID: 1035238). An algorithm developed to predict the effect of missense changes on protein structure and function (PolyPhen-2) suggests that this variant is likely to be tolerated. In summary, the available evidence is currently insufficient to determine the role of this variant in disease. Therefore, it has been classified as a Variant of Uncertain Significance.

Ambry Genetics
Classification: Uncertain significance for Inborn genetic diseases. Last evaluated: 2024-01-29. Review status: criteria provided, single submitter. Criteria: Ambry Variant Classification Scheme 2023. Collection method: clinical testing. Allele origin: germline.

Blueprint Genetics
Classification: Uncertain significance. Last evaluated: 2024-01-16. Review status: criteria provided, single submitter. Criteria: ACMG Guidelines, 2015. Collection method: clinical testing. Allele origin: germline.

NM_001358530.2(MOCS1):c.294A>T (p.Lys98Asn)

Gene: MOCS1 (molybdenum cofactor synthesis 1; minus strand). Cytogenetic location: 6p21.2.
Variant type: single nucleotide variant.
Coding change: c.294A>T on transcript NM_001358530.2 (MANE Select); coding-DNA position 294, A replaced by T.
Protein change: p.Lys98Asn; replaces lysine 98 with asparagine.
Molecular consequence: missense variant. On other transcripts: non-coding transcript variant (1).
Genome position (GRCh38, 1-based): chr6:39,925,802, T>A on the plus strand (A>T on the coding strand, the complement: MOCS1 is on the minus strand). VCF-style: chr6-39925802-T-A. GRCh37 (hg19) VCF-style: chr6-39893546-T-A.
Other names: c.294A>T, p.Lys98Asn (NM_001075098.4, NM_001358529.2, NM_005943.6); c.33A>T, p.Lys11Asn (NM_001358531.2, NM_001358533.2, NM_001358534.2); c.294A>T (NM_005943.5); short protein forms K98N, K11N.
Identifiers: ClinVar variation 1035238 (VCV001035238.9), dbSNP rs373489919, ClinGen allele CA3796352.
Genomic context (GRCh38, chr6:39,925,802, plus strand): 5'-GCCTTCCTTCACAAAGAGCCGGGCGAGGGTCAGGATCTCCTCTGTGGTCAGCAGGTTGGC[T>A]TTGGGGGTCAGCGGGACCCCCTCCTCGGGCATGCAGTACTGACCTGAGGGAAGGATGAAT-3'
Protein context (NP_001345459.1, residues 88-108): MPEEGVPLTP[Lys98Asn]ANLLTTEEIL